The following is an entry in ClinVar:

NM_001387430.1(SH2B1):c.1898-222C>T

Gene: SH2B1 (SH2B adaptor protein 1; plus strand). Cytogenetic location: 16p11.2.
Variant type: single nucleotide variant.
Coding change: c.1898-222C>T on transcript NM_001387430.1 (MANE Select); 222 bases into the intron before coding-DNA position 1898, C replaced by T.
Molecular consequence: intron variant. On other transcripts: synonymous variant (4), missense variant (1).
Genome position (GRCh38, 1-based): chr16:28,873,225, C>T. VCF-style: chr16-28873225-C-T. GRCh37 (hg19) VCF-style: chr16-28884546-C-T.
Other names: c.1953C>T, p.Pro651= (NM_001145796.2, NM_001145812.2, NM_015503.3); c.2006C>T, p.Pro669Leu (NM_001145797.2); c.945C>T, p.Pro315= (NM_001308294.2); c.1898-222C>T (NM_001308293.2, NM_001387404.1, NM_001145795.2); short protein forms P669L.
Identifiers: ClinVar variation 3029651 (VCV003029651.3), dbSNP rs1485680662, ClinGen allele CA395397377.

ClinVar aggregate classification (germline): Uncertain significance (1 of 4 stars; one submission).

Conditions:
SH2B1-related disorder. Also called: SH2B1-related condition.

Allele frequency attached by ClinVar (database versions not stated): gnomAD 0.00002; TOPMed 0.00002.
gnomAD v4.1: 23 of 1,605,098 alleles (0.0014%); highest among the groups gnomAD compares: Admixed American, 0.0068%; no homozygotes.

Submission:

PreventionGenetics, part of Exact Sciences
Classification: Uncertain significance for SH2B1-related condition. Last evaluated: 2025-05-07. Review status: criteria provided, single submitter. Criteria: ACMG Guidelines, 2015. Collection method: clinical testing. Allele origin: germline.
Comment: The SH2B1 c.2006C>T variant is predicted to result in the amino acid substitution p.Pro669Leu. To our knowledge, this variant has not been reported in the literature. This variant is reported in 0.0060% of alleles in individuals of Latino descent in gnomAD. At this time, the clinical significance of this variant is uncertain due to the absence of conclusive functional and genetic evidence.